The following is an entry in ClinVar:

ClinVar aggregate classification (germline): Uncertain significance (1 of 4 stars; one submission).

Conditions:
Spastic paraplegia. Identifiers: MedGen C0037772, HP:0001258.

Allele frequency attached by ClinVar (database versions not stated): ExAC 0.00005; gnomAD exomes below 0.00001.
gnomAD v4.1: 3 of 1,212,366 alleles (0.00025%); highest among the groups gnomAD compares: Admixed American, 0.0065%; no homozygotes.

Submission:

Labcorp Genetics (formerly Invitae), Labcorp
Classification: Uncertain significance for Spastic paraplegia. Last evaluated: 2025-03-20. Review status: criteria provided, single submitter. Criteria: Invitae Variant Classification Sherloc (09022015). Collection method: clinical testing. Allele origin: germline.
Comment: This sequence change replaces alanine, which is neutral and non-polar, with valine, which is neutral and non-polar, at codon 971 of the KDM5C protein (p.Ala971Val). This variant is present in population databases (rs782343128, gnomAD 0.01%), including at least one homozygous and/or hemizygous individual. This variant has not been reported in the literature in individuals affected with KDM5C-related conditions. ClinVar contains an entry for this variant (Variation ID: 3003549). Invitae Evidence Modeling of protein sequence and biophysical properties (such as structural, functional, and spatial information, amino acid conservation, physicochemical variation, residue mobility, and thermodynamic stability) has been performed for this missense variant. However, the output from this modeling did not meet the statistical confidence thresholds required to predict the impact of this variant on KDM5C protein function. In summary, the available evidence is currently insufficient to determine the role of this variant in disease. Therefore, it has been classified as a Variant of Uncertain Significance.

NM_004187.5(KDM5C):c.2912C>T (p.Ala971Val)

Gene: KDM5C (lysine demethylase 5C; minus strand). Cytogenetic location: Xp11.22.
Variant type: single nucleotide variant.
Coding change: c.2912C>T on transcript NM_004187.5 (MANE Select); coding-DNA position 2912, C replaced by T.
Protein change: p.Ala971Val; replaces alanine 971 with valine.
Molecular consequence: missense variant. On other transcripts: non-coding transcript variant (3).
Genome position (GRCh38, 1-based): chrX:53,196,755, G>A on the plus strand (C>T on the coding strand, the complement: KDM5C is on the minus strand). VCF-style: chrX-53196755-G-A. GRCh37 (hg19) VCF-style: chrX-53225937-G-A.
Other names: c.2711C>T, p.Ala904Val (NM_001146702.2); c.2909C>T, p.Ala970Val (NM_001282622.3, NM_001353979.2, NM_001353982.2); c.2912C>T, p.Ala971Val (NM_001353978.3, NM_001353981.2, NM_001353984.2); short protein forms A971V, A904V, A970V.
Identifiers: ClinVar variation 3003549 (VCV003003549.3), dbSNP rs782343128, ClinGen allele CA10419310.